The following is an entry in ClinVar:

NM_000124.4(ERCC6):c.1527G>A (p.Lys509=)

Gene: ERCC6 (ERCC excision repair 6, chromatin remodeling factor; minus strand). Cytogenetic location: 10q11.23.
Variant type: single nucleotide variant.
Coding change: c.1527G>A on transcript NM_000124.4 (MANE Select); coding-DNA position 1527, G replaced by A.
Protein change: p.Lys509=; no amino-acid change (lysine 509 retained).
Molecular consequence: synonymous variant.
Genome position (GRCh38, 1-based): chr10:49,500,696, C>T on the plus strand (G>A on the coding strand, the complement: ERCC6 is on the minus strand). VCF-style: chr10-49500696-C-T. GRCh37 (hg19) VCF-style: chr10-50708742-C-T.
Other names: c.1527G>A, p.Lys509= (NM_001346440.2).
Identifiers: ClinVar variation 2149472 (VCV002149472.4), dbSNP rs2496050996, ClinGen allele CA469604737.
Genomic context (GRCh38, chr10:49,500,696, plus strand): 5'-AATTCCTCCTGCCTGCTGGCAGTGCAATTCCCACAGCCACCTAACACCTGTCTGCTGGTA[C>T]CTATGACAACAAACACCAACAAGAAAAGAGAAAATGGCAAATGGTGGATAATACAGATCA-3'
Protein context (NP_000115.1, residues 499-519): VPGFLFKKLF[Lys509=]YQQTGVRWLW

ClinVar aggregate classification (germline): Uncertain significance (1 of 4 stars; one submission).

Allele frequency attached by ClinVar (database versions not stated): gnomAD exomes below 0.00001.
gnomAD v4.1: 3 of 1,613,510 alleles (0.00019%); highest among the groups gnomAD compares: Middle Eastern, 0.034%; no homozygotes.

Submission:

Labcorp Genetics (formerly Invitae), Labcorp
Classification: Uncertain significance. Last evaluated: 2022-12-06. Review status: criteria provided, single submitter. Criteria: Invitae Variant Classification Sherloc (09022015). Collection method: clinical testing. Allele origin: germline.
Comment: In summary, the available evidence is currently insufficient to determine the role of this variant in disease. Therefore, it has been classified as a Variant of Uncertain Significance. Algorithms developed to predict the effect of sequence changes on RNA splicing suggest that this variant may disrupt the consensus splice site. This variant has not been reported in the literature in individuals affected with ERCC6-related conditions. This variant is not present in population databases (gnomAD no frequency). This sequence change affects codon 509 of the ERCC6 mRNA. It is a 'silent' change, meaning that it does not change the encoded amino acid sequence of the ERCC6 protein. It affects a nucleotide within the consensus splice site.